The following is an entry in ClinVar:

ClinVar aggregate classification (germline): Pathogenic (1 of 4 stars; one submission).

Submission:

Labcorp Genetics (formerly Invitae), Labcorp
Classification: Pathogenic. Last evaluated: 2017-10-31. Review status: criteria provided, single submitter. Criteria: Invitae Variant Classification Sherloc (09022015). Collection method: clinical testing. Allele origin: germline.
Comment: This sequence change creates a premature translational stop signal (p.Asn182Thrfs*16) in the CYP4V2 gene. It is expected to result in an absent or disrupted protein product. This variant is not present in population databases (ExAC no frequency). This variant has not been reported in the literature in individuals with CYP4V2-related disease. Loss-of-function variants in CYP4V2 are known to be pathogenic (PMID: 15042513, 25118264). For these reasons, this variant has been classified as Pathogenic.

Literature cited by the submitters: PubMed 15042513; PubMed 25118264.

NM_207352.4(CYP4V2):c.545del (p.Asn182fs)

Gene: CYP4V2 (cytochrome P450 family 4 subfamily V member 2; plus strand). Cytogenetic location: 4q35.1.
Variant type: Deletion.
Coding change: c.545del on transcript NM_207352.4 (MANE Select); coding-DNA position 545, one base deleted (A; older notation c.545delA).
Protein change: p.Asn182fs; shifts the reading frame from asparagine 182.
Molecular consequence: frameshift variant.
Genome position (GRCh38, 1-based): chr4:186,197,071, A deleted; the last of 2 consecutive A bases (chr4:186,197,070-186,197,071); deleting either gives the same sequence. VCF-style (leftmost placement, unchanged base first): chr4-186197069-TA-T. GRCh37 (hg19) VCF-style: chr4-187118223-TA-T.
Other names: short protein forms N182fs.
Identifiers: ClinVar variation 1070288 (VCV001070288.7), dbSNP rs2126585026, ClinGen allele CA2499217184.